The following is an entry in ClinVar:

NM_000069.3(CACNA1S):c.4453C>T (p.Gln1485Ter)

Gene: CACNA1S (calcium voltage-gated channel subunit alpha1 S; minus strand). Cytogenetic location: 1q32.1.
Variant type: single nucleotide variant.
Coding change: c.4453C>T on transcript NM_000069.3 (MANE Select); coding-DNA position 4453, C replaced by T.
Protein change: p.Gln1485Ter; replaces glutamine 1485 with a stop codon.
Molecular consequence: nonsense.
Genome position (GRCh38, 1-based): chr1:201,047,615, G>A on the plus strand (C>T on the coding strand, the complement: CACNA1S is on the minus strand). VCF-style: chr1-201047615-G-A. GRCh37 (hg19) VCF-style: chr1-201016743-G-A.
Other names: Q1485*.
Identifiers: ClinVar variation 2443901 (VCV002443901.4), dbSNP rs1282907317, ClinGen allele CA344143483.
Genomic context (GRCh38, chr1:201,047,615, plus strand): 5'-GCTTCATGCTGGTTCTCTTCCAGATCTTCTTGATGATGGCCCTCAGCTCCTCGTTGGCCT[G>A]CTCAAAGTTACCTGGAGCAGGAGAAAGGCAAAAGTTACCCAGATCACACCAACTGCACTT-3'

ClinVar aggregate classification (germline): Pathogenic. Review status: criteria provided, single submitter (1 of 4 stars). 2 submissions from 2 submitters: Pathogenic (1). 1 of the submissions does not count toward it. Last evaluated 2024-03-01.

Conditions:
Congenital myopathy 18. Also called: Myopathy, congenital, due to dihydropyridine receptor defect; DIHYDROPYRIDINE RECEPTOR CONGENITAL MYOPATHY; DHPR CONGENITAL MYOPATHY. Identifiers: MedGen C5830283, MONDO:0859514, OMIM 620246.

Submissions (2):

Muscle and Diseases Team, Institut de Génétique et Biologie Moléculaire et Cellulaire
Classification: Pathogenic for Congenital myopathy 18. Last evaluated: 2024-03-01. Review status: criteria provided, single submitter. Criteria: ACMG Guidelines, 2015. Collection method: research. Allele origin: unknown. Affected: yes. Observed: 1 variant allele.
Comment: PVS1+PS3+PM2+PP3

OMIM
Classification: Pathogenic for CONGENITAL MYOPATHY 18, AUTOSOMAL RECESSIVE. Last evaluated: 2024-07-16. Review status: no assertion criteria provided. Collection method: literature only. Allele origin: germline. Not counted in ClinVar's aggregate classification.

Literature cited by the submitters: DOI 10.1186/s13073-024-01353-0 (cited by Muscle and Diseases Team, Institut de Génétique et Biologie Moléculaire et Cellulaire); PubMed 28012042 (cited by Muscle and Diseases Team, Institut de Génétique et Biologie Moléculaire et Cellulaire and OMIM).